The following is an entry in ClinVar:

ClinVar aggregate classification (germline): Benign/Likely benign. Review status: criteria provided, multiple submitters, no conflicts (2 of 4 stars). 6 submissions from 6 submitters: Benign (1); Likely benign (2). 3 of the submissions do not count toward it. Last evaluated 2026-02-02.

Conditions:
Inborn genetic diseases. Identifiers: MedGen C0950123, MeSH D030342.
CUL4B-related disorder. Also called: CUL4B-related condition.
X-linked intellectual disability Cabezas type (MRXSC). Also called: CABEZAS SYNDROME; MENTAL RETARDATION, X-LINKED, SYNDROMIC 15; Intellectual developmental disorder, X-linked syndromic, Cabezas type. Identifiers: Orphanet 85289, Orphanet 85293, MedGen C1845861, MONDO:0010306, OMIM 300354.

Submissions (6):

Ambry Genetics
Classification: Likely benign for Inborn genetic diseases. Last evaluated: 2026-02-02. Review status: criteria provided, single submitter. Criteria: Ambry Variant Classification Scheme 2023. Collection method: clinical testing. Allele origin: germline.

Labcorp Genetics (formerly Invitae), Labcorp
Classification: Benign for X-linked intellectual disability Cabezas type. Last evaluated: 2025-12-11. Review status: criteria provided, single submitter. Criteria: Invitae Variant Classification Sherloc (09022015). Collection method: clinical testing. Allele origin: germline.

GeneDx
Classification: Likely benign. Last evaluated: 2021-06-07. Review status: criteria provided, single submitter. Criteria: GeneDx Variant Classification Process June 2021. Collection method: clinical testing. Allele origin: germline. Affected: yes.
Comment: This variant is associated with the following publications: (PMID: 27535533, 25385192)

PreventionGenetics, part of Exact Sciences
Classification: Likely benign for CUL4B-related condition. Last evaluated: 2022-02-08. Review status: no assertion criteria provided. Collection method: clinical testing. Allele origin: germline. Not counted in ClinVar's aggregate classification.
Comment: This variant is classified as likely benign based on ACMG/AMP sequence variant interpretation guidelines (Richards et al. 2015 PMID: 25741868, with internal and published modifications).

Clinical Genetics DNA and cytogenetics Diagnostics Lab, Erasmus MC, Erasmus Medical Center
Classification: Benign. Review status: no assertion criteria provided. Collection method: clinical testing. Allele origin: germline. Affected: yes. Study: VKGL Data-share Consensus. Not counted in ClinVar's aggregate classification.

Laboratory of Diagnostic Genome Analysis, Leiden University Medical Center (LUMC)
Classification: Likely benign. Review status: no assertion criteria provided. Collection method: clinical testing. Allele origin: germline. Affected: yes. Study: VKGL Data-share Consensus. Not counted in ClinVar's aggregate classification.

NM_001079872.2(CUL4B):c.131GCAGCAGTA[1] (p.Ser47_Ser49del)

Genes: CUL4B (cullin 4B; minus strand), LOC113845788 (Sharpr-MPRA regulatory region 11856; plus strand). Cytogenetic location: Xq24.
Variant type: Microsatellite.
Coding change: c.131GCAGCAGTA[1] on transcript NM_001079872.2 (MANE Select); one copy of the 9-base unit GCAGCAGTA starting at c.131; the reference has two copies in a row; one copy, 9 bases deleted.
Protein change: p.Ser47_Ser49del.
Molecular consequence: inframe deletion.
Genome position (GRCh38, 1-based): chrX:120,560,491-120,560,499, TACTGCTGC deleted on the plus strand (GCAGCAGTA on the coding strand, the reverse complement: CUL4B is on the minus strand); deleting any 9 consecutive bases within chrX:120,560,491-120,560,509 gives the same sequence; the position shown is the placement nearest the transcript's 3' end. VCF-style (leftmost placement, unchanged base first): chrX-120560490-TTACTGCTGC-T. GRCh37 (hg19) VCF-style: chrX-119694345-TTACTGCTGC-T.
Other names: c.146GCAGCAGTA[1], p.Ser52_Ser54del (NM_001330624.2); c.185GCAGCAGTA[1], p.Ser65_Ser67del (NM_003588.4); c.194_202del9 (NM_003588.3).
Identifiers: ClinVar variation 1206135 (VCV001206135.8), dbSNP rs777238263, ClinGen allele CA10505735.